The following is an entry in ClinVar:

ClinVar aggregate classification (germline): Uncertain significance (1 of 4 stars; one submission).

gnomAD v4.1: 2 of 1,609,932 alleles (0.00012%); highest among the groups gnomAD compares: Non-Finnish European, 0.00017%; no homozygotes.

Submission:

Labcorp Genetics (formerly Invitae), Labcorp
Classification: Uncertain significance. Last evaluated: 2022-10-13. Review status: criteria provided, single submitter. Criteria: Invitae Variant Classification Sherloc (09022015). Collection method: clinical testing. Allele origin: germline.
Comment: This sequence change replaces aspartic acid, which is acidic and polar, with valine, which is neutral and non-polar, at codon 711 of the PACS2 protein (p.Asp711Val). This variant is not present in population databases (gnomAD no frequency). This variant has not been reported in the literature in individuals affected with PACS2-related conditions. Advanced modeling of protein sequence and biophysical properties (such as structural, functional, and spatial information, amino acid conservation, physicochemical variation, residue mobility, and thermodynamic stability) has been performed at Invitae for this missense variant, however the output from this modeling did not meet the statistical confidence thresholds required to predict the impact of this variant on PACS2 protein function. In summary, the available evidence is currently insufficient to determine the role of this variant in disease. Therefore, it has been classified as a Variant of Uncertain Significance.

NM_001100913.3(PACS2):c.2132A>T (p.Asp711Val)

Gene: PACS2 (phosphofurin acidic cluster sorting protein 2; plus strand). Cytogenetic location: 14q32.33.
Variant type: single nucleotide variant.
Coding change: c.2132A>T on transcript NM_001100913.3 (MANE Select); coding-DNA position 2132, A replaced by T.
Protein change: p.Asp711Val; replaces aspartic acid 711 with valine.
Molecular consequence: missense variant.
Genome position (GRCh38, 1-based): chr14:105,391,643, A>T. VCF-style: chr14-105391643-A-T. GRCh37 (hg19) VCF-style: chr14-105857980-A-T.
Other names: c.1862A>T, p.Asp621Val (NM_001243127.3); c.2087A>T, p.Asp696Val (NM_015197.4); short protein forms D696V, D711V, D621V.
Identifiers: ClinVar variation 1983927 (VCV001983927.4), dbSNP rs1555414854, ClinGen allele CA391185709.